The following is an entry in ClinVar:

NM_002878.4(RAD51D):c.179A>G (p.Gln60Arg)

Genes: RAD51D (RAD51 paralog D; minus strand), RAD51L3-RFFL (RAD51L3-RFFL readthrough; minus strand). Cytogenetic location: 17q12.
Variant type: single nucleotide variant.
Coding change: c.179A>G on transcript NM_002878.4 (MANE Select); coding-DNA position 179, A replaced by G.
Protein change: p.Gln60Arg; replaces glutamine 60 with arginine.
Molecular consequence: missense variant. On other transcripts: intron variant (2).
Genome position (GRCh38, 1-based): chr17:35,118,585, T>C on the plus strand (A>G on the coding strand, the complement: RAD51D is on the minus strand). VCF-style: chr17-35118585-T-C. GRCh37 (hg19) VCF-style: chr17-33445604-T-C.
Other names: c.179A>G (NM_002878.3); c.144+526A>G (NM_133629.3, NM_001142571.2); short protein forms Q60R.
Identifiers: ClinVar variation 1359897 (VCV001359897.9), dbSNP rs780689600, ClinGen allele CA8499635.

ClinVar aggregate classification (germline): Uncertain significance. Review status: criteria provided, multiple submitters, no conflicts (2 of 4 stars). 2 submissions from 2 submitters: Uncertain significance (2). Last evaluated 2024-08-31.

Conditions:
Hereditary cancer-predisposing syndrome. Also called: Tumor predisposition; Hereditary neoplastic syndrome; Neoplastic Syndromes, Hereditary; Hereditary Cancer Syndrome. Identifiers: Orphanet 140162, MedGen C0027672, MeSH D009386, MONDO:0015356.
Breast-ovarian cancer, familial, susceptibility to, 4. Identifiers: Orphanet 145, MedGen C3280345, MONDO:0013669, OMIM 614291.

Allele frequency attached by ClinVar (database versions not stated): gnomAD exomes below 0.00001; ExAC 0.00001; gnomAD 0.00001.
gnomAD v4.1: 4 of 1,614,064 alleles (0.00025%); highest among the groups gnomAD compares: South Asian, 0.0033%; no homozygotes.

Submissions (2):

Labcorp Genetics (formerly Invitae), Labcorp
Classification: Uncertain significance for Breast-ovarian cancer, familial, susceptibility to, 4. Last evaluated: 2024-08-31. Review status: criteria provided, single submitter. Criteria: Invitae Variant Classification Sherloc (09022015). Collection method: clinical testing. Allele origin: germline.
Comment: This sequence change replaces glutamine, which is neutral and polar, with arginine, which is basic and polar, at codon 60 of the RAD51D protein (p.Gln60Arg). This variant is present in population databases (rs780689600, gnomAD 0.0009%). This variant has not been reported in the literature in individuals affected with RAD51D-related conditions. ClinVar contains an entry for this variant (Variation ID: 1359897). Invitae Evidence Modeling of protein sequence and biophysical properties (such as structural, functional, and spatial information, amino acid conservation, physicochemical variation, residue mobility, and thermodynamic stability) indicates that this missense variant is not expected to disrupt RAD51D protein function with a negative predictive value of 80%. In summary, the available evidence is currently insufficient to determine the role of this variant in disease. Therefore, it has been classified as a Variant of Uncertain Significance.

Ambry Genetics
Classification: Uncertain significance for Hereditary cancer-predisposing syndrome. Last evaluated: 2022-11-29. Review status: criteria provided, single submitter. Criteria: Ambry Variant Classification Scheme 2023. Collection method: clinical testing. Allele origin: germline.
Comment: The p.Q60R variant (also known as c.179A>G), located in coding exon 3 of the RAD51D gene, results from an A to G substitution at nucleotide position 179. The glutamine at codon 60 is replaced by arginine, an amino acid with highly similar properties. This amino acid position is highly conserved in available vertebrate species. In addition, the in silico prediction for this alteration is inconclusive. Since supporting evidence is limited at this time, the clinical significance of this alteration remains unclear.